The following is an entry in ClinVar:

NM_003073.5(SMARCB1):c.80T>A (p.Met27Lys)

Gene: SMARCB1 (SWI/SNF related BAF chromatin remodeling complex subunit B1; plus strand). Cytogenetic location: 22q11.23.
Variant type: single nucleotide variant.
Coding change: c.80T>A on transcript NM_003073.5 (MANE Select); coding-DNA position 80, T replaced by A.
Protein change: p.Met27Lys; replaces methionine 27 with lysine.
Molecular consequence: missense variant.
Genome position (GRCh38, 1-based): chr22:23,787,249, T>A. VCF-style: chr22-23787249-T-A. GRCh37 (hg19) VCF-style: chr22-24129436-T-A.
Other names: c.80T>A, p.Met27Lys (NM_001007468.3, NM_001317946.2, NM_001362877.2); short protein forms M27K.
Identifiers: ClinVar variation 4710927 (VCV004710927.2).

ClinVar aggregate classification (germline): Uncertain significance. Review status: criteria provided, multiple submitters, no conflicts (2 of 4 stars). 2 submissions from 2 submitters: Uncertain significance (2). Last evaluated 2026-08-17.

Conditions:
Hereditary cancer-predisposing syndrome. Also called: Hereditary Cancer Syndrome; Hereditary neoplastic syndrome; Neoplastic Syndromes, Hereditary; Tumor predisposition. Identifiers: Orphanet 140162, MedGen C0027672, MeSH D009386, MONDO:0015356.

Submissions (2):

Ambry Genetics
Classification: Uncertain significance for Hereditary cancer-predisposing syndrome. Last evaluated: 2026-08-17. Review status: criteria provided, single submitter. Criteria: Ambry Variant Classification Scheme 2023. Collection method: clinical testing. Allele origin: germline.
Comment: The p.M27K variant (also known as c.80T>A), located in coding exon 1 of the SMARCB1 gene, results from a T to A substitution at nucleotide position 80. The methionine at codon 27 is replaced by lysine, an amino acid with similar properties. Other variant(s) at the same codon, p.M27R (c.80T>G), have been identified in individual(s) with features consistent with SMARCB1-related schwannomatosis (Ambry internal data). This amino acid position is highly conserved in available vertebrate species. In addition, this alteration is predicted to be deleterious by in silico analysis. Based on the available evidence, the clinical significance of this variant remains unclear.

Labcorp Genetics (formerly Invitae), Labcorp
Classification: Uncertain significance. Last evaluated: 2025-06-25. Review status: criteria provided, single submitter. Criteria: Invitae Variant Classification Sherloc (09022015). Collection method: clinical testing. Allele origin: germline.
Comment: This sequence change replaces methionine, which is neutral and non-polar, with lysine, which is basic and polar, at codon 27 of the SMARCB1 protein (p.Met27Lys). This variant is not present in population databases (gnomAD no frequency). This variant has not been reported in the literature in individuals affected with SMARCB1-related conditions. An algorithm developed to predict the effect of missense changes on protein structure and function (PolyPhen-2) suggests that this variant is likely to be tolerated. This variant disrupts the p.Met27 amino acid residue in SMARCB1. Other variant(s) that disrupt this residue have been determined to be pathogenic (PMID: 24362817; internal data). This suggests that this residue is clinically significant, and that variants that disrupt this residue are likely to be disease-causing. In summary, the available evidence is currently insufficient to determine the role of this variant in disease. Therefore, it has been classified as a Variant of Uncertain Significance.

Literature cited by the submitters: PubMed 24362817 (cited by Labcorp Genetics (formerly Invitae), Labcorp).